The following is an entry in ClinVar:

NM_000179.3(MSH6):c.818G>C (p.Gly273Ala)

Gene: MSH6 (mutS homolog 6; plus strand). Cytogenetic location: 2p16.3.
Variant type: single nucleotide variant.
Coding change: c.818G>C on transcript NM_000179.3 (MANE Select); coding-DNA position 818, G replaced by C.
Protein change: p.Gly273Ala; replaces glycine 273 with alanine.
Molecular consequence: missense variant. On other transcripts: 5 prime UTR variant (2).
Genome position (GRCh38, 1-based): chr2:47,798,801, G>C. VCF-style: chr2-47798801-G-C. GRCh37 (hg19) VCF-style: chr2-48025940-G-C.
Other names: c.428G>C, p.Gly143Ala (NM_001281492.2); c.-89G>C (NM_001281493.2, NM_001281494.2); short protein forms G273A, G143A.
Identifiers: ClinVar variation 568938 (VCV000568938.17), dbSNP rs769610487, ClinGen allele CA346740411.

ClinVar aggregate classification (germline): Uncertain significance. Review status: criteria provided, multiple submitters, no conflicts (2 of 4 stars). 3 submissions from 3 submitters: Uncertain significance (3). Last evaluated 2018-11-13.

Conditions:
Hereditary nonpolyposis colorectal neoplasms. Identifiers: MedGen C0009405, MeSH D003123.
Hereditary cancer-predisposing syndrome. Also called: Neoplastic Syndromes, Hereditary; Tumor predisposition; Hereditary neoplastic syndrome; Hereditary Cancer Syndrome. Identifiers: Orphanet 140162, MedGen C0027672, MeSH D009386, MONDO:0015356.

gnomAD v4.1: 1 of 1,614,176 alleles (0.000062%); highest among the groups gnomAD compares: Non-Finnish European, 0.000085%; no homozygotes.

Submissions (3):

Ambry Genetics
Classification: Uncertain significance for Hereditary cancer-predisposing syndrome. Last evaluated: 2018-11-13. Review status: criteria provided, single submitter. Criteria: Ambry Variant Classification Scheme 2023. Collection method: clinical testing. Allele origin: germline.
Comment: The p.G273A variant (also known as c.818G>C), located in coding exon 4 of the MSH6 gene, results from a G to C substitution at nucleotide position 818. The glycine at codon 273 is replaced by alanine, an amino acid with similar properties. This amino acid position is not well conserved in available vertebrate species. In addition, this alteration is predicted to be tolerated by in silico analysis. In addition, the CoDP in silico tool predicts this alteration to have minor impact on molecular function, with a score of 0.00 (Terui H et al. J. Biomed. Sci. 2013 Apr;20:25). Since supporting evidence is limited at this time, the clinical significance of this alteration remains unclear.

Color Diagnostics, LLC DBA Color Health
Classification: Uncertain significance for Hereditary cancer-predisposing syndrome. Last evaluated: 2018-08-02. Review status: criteria provided, single submitter. Criteria: ACMG Guidelines, 2015. Collection method: clinical testing. Allele origin: germline.

Labcorp Genetics (formerly Invitae), Labcorp
Classification: Uncertain significance for Hereditary nonpolyposis colorectal neoplasms. Last evaluated: 2018-01-20. Review status: criteria provided, single submitter. Criteria: Invitae Variant Classification Sherloc (09022015). Collection method: clinical testing. Allele origin: germline.
Comment: In summary, the available evidence is currently insufficient to determine the role of this variant in disease. Therefore, it has been classified as a Variant of Uncertain Significance. Algorithms developed to predict the effect of missense changes on protein structure and function output the following: SIFT: "Tolerated"; PolyPhen-2: "Benign"; Align-GVGD: "Class C0". The alanine amino acid residue is found in multiple mammalian species, suggesting that this missense change does not adversely affect protein function. These predictions have not been confirmed by published functional studies and their clinical significance is uncertain. This variant has not been reported in the literature in individuals with MSH6-related disease. This variant is not present in population databases (ExAC no frequency). This sequence change replaces glycine with alanine at codon 273 of the MSH6 protein (p.Gly273Ala). The glycine residue is weakly conserved and there is a small physicochemical difference between glycine and alanine.